The following is an entry in ClinVar:

ClinVar aggregate classification (germline): Uncertain significance (1 of 4 stars; one submission).

Allele frequency attached by ClinVar (database versions not stated): gnomAD 0.00007; gnomAD exomes below 0.00001; ExAC 0.00002; TOPMed 0.00004.
gnomAD v4.1: 11 of 1,593,998 alleles (0.00069%); highest among the groups gnomAD compares: African/African-American, 0.015%; no homozygotes.

Submission:

Labcorp Genetics (formerly Invitae), Labcorp
Classification: Uncertain significance. Last evaluated: 2025-08-04. Review status: criteria provided, single submitter. Criteria: Invitae Variant Classification Sherloc (09022015). Collection method: clinical testing. Allele origin: germline.
Comment: This sequence change replaces alanine, which is neutral and non-polar, with valine, which is neutral and non-polar, at codon 113 of the SLC25A21 protein (p.Ala113Val). This variant is present in population databases (rs775338629, gnomAD 0.02%). This variant has not been reported in the literature in individuals affected with SLC25A21-related conditions. ClinVar contains an entry for this variant (Variation ID: 2887008). Invitae Evidence Modeling of protein sequence and biophysical properties (such as structural, functional, and spatial information, amino acid conservation, physicochemical variation, residue mobility, and thermodynamic stability) indicates that this missense variant is not expected to disrupt SLC25A21 protein function with a negative predictive value of 80%. In summary, the available evidence is currently insufficient to determine the role of this variant in disease. Therefore, it has been classified as a Variant of Uncertain Significance.

NM_030631.4(SLC25A21):c.338C>T (p.Ala113Val)

Gene: SLC25A21 (solute carrier family 25 member 21; minus strand). Cytogenetic location: 14q13.3.
Variant type: single nucleotide variant.
Coding change: c.338C>T on transcript NM_030631.4 (MANE Select); coding-DNA position 338, C replaced by T.
Protein change: p.Ala113Val; replaces alanine 113 with valine.
Molecular consequence: missense variant.
Genome position (GRCh38, 1-based): chr14:36,725,670, G>A on the plus strand (C>T on the coding strand, the complement: SLC25A21 is on the minus strand). VCF-style: chr14-36725670-G-A. GRCh37 (hg19) VCF-style: chr14-37194875-G-A.
Other names: c.338C>T, p.Ala113Val (NM_001171170.2); short protein forms A113V.
Identifiers: ClinVar variation 2887008 (VCV002887008.3), dbSNP rs775338629, ClinGen allele CA7159318.
Genomic context (GRCh38, chr14:36,725,670, plus strand): 5'-ACTACCTCAAAAGGGTTAACTACAATGGCTTCTGTTAGTCCAGATCCCAATCCAGCAATG[G>A]CGAATGTCTAGAAAAATTAAATCAATCAATACTTTAAAACAAGTTATCATGTGTATGGGG-3'
Protein context (NP_085134.1, residues 103-123): YVSLSPALTF[Ala113Val]IAGLGSGLTE